The following is an entry in ClinVar:

NM_014989.7(RIMS1):c.757G>C (p.Gly253Arg)

Gene: RIMS1 (regulating synaptic membrane exocytosis 1; plus strand). Cytogenetic location: 6q13.
Variant type: single nucleotide variant.
Coding change: c.757G>C on transcript NM_014989.7 (MANE Select); coding-DNA position 757, G replaced by C.
Protein change: p.Gly253Arg; replaces glycine 253 with arginine.
Molecular consequence: missense variant.
Genome position (GRCh38, 1-based): chr6:72,179,860, G>C. VCF-style: chr6-72179860-G-C. GRCh37 (hg19) VCF-style: chr6-72889563-G-C.
Other names: short protein forms G253R.
Identifiers: ClinVar variation 1021105 (VCV001021105.8), dbSNP rs2048184109, ClinGen allele CA364818828.

ClinVar aggregate classification (germline): Uncertain significance (1 of 4 stars; one submission).

Submission:

Labcorp Genetics (formerly Invitae), Labcorp
Classification: Uncertain significance. Last evaluated: 2020-10-19. Review status: criteria provided, single submitter. Criteria: Invitae Variant Classification Sherloc (09022015). Collection method: clinical testing. Allele origin: germline.
Comment: This variant has not been reported in the literature in individuals with RIMS1-related conditions. In summary, the available evidence is currently insufficient to determine the role of this variant in disease. Therefore, it has been classified as a Variant of Uncertain Significance. Algorithms developed to predict the effect of missense changes on protein structure and function output the following: SIFT: "Deleterious"; PolyPhen-2: "Benign"; Align-GVGD: "Class C25". The arginine amino acid residue is found in multiple mammalian species, suggesting that this missense change does not adversely affect protein function. These predictions have not been confirmed by published functional studies and their clinical significance is uncertain. This variant is not present in population databases (ExAC no frequency). This sequence change replaces glycine with arginine at codon 253 of the RIMS1 protein (p.Gly253Arg). The glycine residue is highly conserved and there is a moderate physicochemical difference between glycine and arginine.